The following is an entry in ClinVar:

ClinVar aggregate classification (germline): Uncertain significance (1 of 4 stars; one submission).

Conditions:
Autosomal dominant Parkinson disease 8. Also called: Parkinson disease 8, susceptibility to; LRRK2-Related Parkinson Disease; Parkinson disease 8. Identifiers: Orphanet 411602, MedGen C1846862, MONDO:0011764, OMIM 607060.

Allele frequency attached by ClinVar (database versions not stated): ExAC 0.00002; gnomAD exomes 0.00002 and 0.00005; gnomAD 0.00004; TOPMed 0.00005; ESP Exome Variant Server 0.00008.

Submission:

Labcorp Genetics (formerly Invitae), Labcorp
Classification: Uncertain significance for Autosomal dominant Parkinson disease 8. Last evaluated: 2024-11-11. Review status: criteria provided, single submitter. Criteria: Invitae Variant Classification Sherloc (09022015). Collection method: clinical testing. Allele origin: germline.
Comment: This sequence change replaces isoleucine, which is neutral and non-polar, with methionine, which is neutral and non-polar, at codon 675 of the LRRK2 protein (p.Ile675Met). This variant is present in population databases (rs201162329, gnomAD 0.01%). This missense change has been observed in individual(s) with Parkinson disease (PMID: 37256495). ClinVar contains an entry for this variant (Variation ID: 847711). Invitae Evidence Modeling of protein sequence and biophysical properties (such as structural, functional, and spatial information, amino acid conservation, physicochemical variation, residue mobility, and thermodynamic stability) has been performed for this missense variant. However, the output from this modeling did not meet the statistical confidence thresholds required to predict the impact of this variant on LRRK2 protein function. In summary, the available evidence is currently insufficient to determine the role of this variant in disease. Therefore, it has been classified as a Variant of Uncertain Significance.

Literature cited by the submitters: PubMed 37256495.

NM_198578.4(LRRK2):c.2025A>G (p.Ile675Met)

Gene: LRRK2 (leucine rich repeat kinase 2; plus strand). Cytogenetic location: 12q12.
Variant type: single nucleotide variant.
Coding change: c.2025A>G on transcript NM_198578.4 (MANE Select); coding-DNA position 2025, A replaced by G.
Protein change: p.Ile675Met; replaces isoleucine 675 with methionine.
Molecular consequence: missense variant.
Genome position (GRCh38, 1-based): chr12:40,277,971, A>G. VCF-style: chr12-40277971-A-G. GRCh37 (hg19) VCF-style: chr12-40671773-A-G.
Other names: short protein forms I675M.
Identifiers: ClinVar variation 847711 (VCV000847711.7), dbSNP rs201162329, ClinGen allele CA6513528.